The following is an entry in ClinVar:

NM_002857.4(PEX19):c.346+1G>A

Gene: PEX19 (peroxisomal biogenesis factor 19; minus strand). Cytogenetic location: 1q23.2.
Variant type: single nucleotide variant.
Coding change: c.346+1G>A on transcript NM_002857.4 (MANE Select); the canonical splice donor site of the intron after coding-DNA position 346, G replaced by A.
Molecular consequence: splice donor variant.
Genome position (GRCh38, 1-based): chr1:160,282,943, C>T on the plus strand (G>A on the coding strand, the complement: PEX19 is on the minus strand). VCF-style: chr1-160282943-C-T. GRCh37 (hg19) VCF-style: chr1-160252733-C-T.
Other names: c.346+1G>A (NM_001193644.1).
Identifiers: ClinVar variation 1067988 (VCV001067988.7), dbSNP rs75072667, ClinGen allele CA1197405.

ClinVar aggregate classification (germline): Likely pathogenic (1 of 4 stars; one submission).

Conditions:
Peroxisome biogenesis disorder 12A (Zellweger). Also called: Peroxisome biogenesis disorder 12A. Identifiers: Orphanet 912, MedGen C3554002, MONDO:0013951, OMIM 614886.

Allele frequency attached by ClinVar (database versions not stated): ExAC 0.00001; gnomAD 0.00001; gnomAD exomes 0.00001; TOPMed 0.00001; 1000 Genomes Project 0.00020; 1000 Genomes Project 30x 0.00031.

Submission:

Labcorp Genetics (formerly Invitae), Labcorp
Classification: Likely pathogenic for Peroxisome biogenesis disorder 12A (Zellweger). Last evaluated: 2022-06-09. Review status: criteria provided, single submitter. Criteria: Invitae Variant Classification Sherloc (09022015). Collection method: clinical testing. Allele origin: germline.
Comment: This sequence change affects a donor splice site in intron 3 of the PEX19 gene. It is expected to disrupt RNA splicing. Variants that disrupt the donor or acceptor splice site typically lead to a loss of protein function (PMID: 16199547), and loss-of-function variants in PEX19 are known to be pathogenic (PMID: 10051604, 20683989, 21031596). This variant is present in population databases (rs75072667, gnomAD 0.002%). This variant has not been reported in the literature in individuals affected with PEX19-related conditions. ClinVar contains an entry for this variant (Variation ID: 1067988). Algorithms developed to predict the effect of sequence changes on RNA splicing suggest that this variant may disrupt the consensus splice site. In summary, the currently available evidence indicates that the variant is pathogenic, but additional data are needed to prove that conclusively. Therefore, this variant has been classified as Likely Pathogenic.

Literature cited by the submitters: PubMed 16199547; PubMed 10051604; PubMed 20683989; PubMed 21031596.